The following is an entry in ClinVar:

ClinVar aggregate classification (germline): Likely benign. Review status: criteria provided, multiple submitters, no conflicts (2 of 4 stars). 2 submissions from 2 submitters: Likely benign (2). Last evaluated 2026-03-01.

Conditions:
MAST3-related disorder.

Submissions (2):

CeGaT Center for Human Genetics Tuebingen
Classification: Likely benign. Last evaluated: 2026-03-01. Review status: criteria provided, single submitter. Criteria: CeGaT Center For Human Genetics Tuebingen Variant Classification Criteria Version 2. Collection method: clinical testing. Allele origin: germline. Affected: yes. Observed: 2 variant alleles.
Comment: MAST3: BP4, BP7, BS1

PreventionGenetics, part of Exact Sciences
Classification: Likely benign for MAST3-related condition. Last evaluated: 2025-02-10. Review status: criteria provided, single submitter. Criteria: ACMG Guidelines, 2015. Collection method: clinical testing. Allele origin: germline.
Comment: This variant is classified as likely benign based on ACMG/AMP sequence variant interpretation guidelines (Richards et al. 2015 PMID: 25741868, with internal and published modifications).

NM_001393504.1(MAST3):c.249G>A (p.Thr83=)

Gene: MAST3 (microtubule associated serine/threonine kinase 3; plus strand). Cytogenetic location: 19p13.11.
Variant type: single nucleotide variant.
Coding change: c.249G>A on transcript NM_001393504.1 (MANE Select); coding-DNA position 249, G replaced by A.
Protein change: p.Thr83=; no amino-acid change (threonine 83 retained).
Molecular consequence: synonymous variant.
Genome position (GRCh38, 1-based): chr19:18,121,772, G>A. VCF-style: chr19-18121772-G-A. GRCh37 (hg19) VCF-style: chr19-18232582-G-A.
Other names: c.249G>A, p.Thr83= (NM_001393501.1, NM_001393502.1); c.225G>A, p.Thr75= (NM_001393503.1, NM_001393505.1, NM_001393507.1); c.177G>A, p.Thr59= (NM_001393506.1, NM_001393510.1, NM_001393511.1 and 3 more transcripts); c.159G>A, p.Thr53= (NM_001393508.1, NM_001393509.1, NM_001393512.1 and 6 more transcripts); c.135G>A, p.Thr45= (NM_001393521.1); c.159G>A (NM_015016.1).
Identifiers: ClinVar variation 4681358 (VCV004681358.6).